The following is an entry in ClinVar:

ClinVar aggregate classification (germline): Uncertain significance. Review status: criteria provided, multiple submitters, no conflicts (2 of 4 stars). 4 submissions from 4 submitters: Uncertain significance (2). 2 of the submissions do not count toward it. Last evaluated 2022-06-10.

Conditions:
RPGRIP1L-related disorder. Also called: RPGRIP1L-related disorders; RPGRIP1L-related condition. Identifiers: MedGen CN239416.
Inborn genetic diseases. Identifiers: MedGen C0950123, MeSH D030342.
Meckel-Gruber syndrome. Also called: Dysencephalia splachnocystica; DYSENCEPHALIA SPLANCHNOCYSTICA; GRUBER SYNDROME. Identifiers: Orphanet 564, MedGen C0265215, MONDO:0018921.
Joubert syndrome. Also called: JOUBERT-BOLTSHAUSER SYNDROME; Familial aplasia of the vermis. Identifiers: Orphanet 475, MedGen C5979921, MONDO:0018772.

Allele frequency attached by ClinVar (database versions not stated): gnomAD 0.00001; gnomAD exomes 0.00001 and 0.00002; TOPMed 0.00001.
gnomAD v4.1: 15 of 1,613,464 alleles (0.00093%); highest among the groups gnomAD compares: Admixed American, 0.005%; no homozygotes.

Submissions (4):

Labcorp Genetics (formerly Invitae), Labcorp
Classification: Uncertain significance for Joubert syndrome; Meckel-Gruber syndrome. Last evaluated: 2022-06-10. Review status: criteria provided, single submitter. Criteria: Invitae Variant Classification Sherloc (09022015). Collection method: clinical testing. Allele origin: germline.
Comment: This sequence change replaces isoleucine, which is neutral and non-polar, with valine, which is neutral and non-polar, at codon 215 of the RPGRIP1L protein (p.Ile215Val). This variant is present in population databases (no rsID available, gnomAD 0.003%). This variant has not been reported in the literature in individuals affected with RPGRIP1L-related conditions. ClinVar contains an entry for this variant (Variation ID: 948690). Algorithms developed to predict the effect of missense changes on protein structure and function output the following: SIFT: "Tolerated"; PolyPhen-2: "Benign"; Align-GVGD: "Class C0". The valine amino acid residue is found in multiple mammalian species, which suggests that this missense change does not adversely affect protein function. In summary, the available evidence is currently insufficient to determine the role of this variant in disease. Therefore, it has been classified as a Variant of Uncertain Significance.

Ambry Genetics
Classification: Uncertain significance for Inborn genetic diseases. Last evaluated: 2022-05-01. Review status: criteria provided, single submitter. Criteria: Ambry Variant Classification Scheme 2023. Collection method: clinical testing. Allele origin: germline.

PreventionGenetics, part of Exact Sciences
Classification: Uncertain significance for RPGRIP1L-related condition. Last evaluated: 2024-05-01. Review status: no assertion criteria provided. Collection method: clinical testing. Allele origin: germline. Not counted in ClinVar's aggregate classification.
Comment: The RPGRIP1L c.643A>G variant is predicted to result in the amino acid substitution p.Ile215Val. To our knowledge, this variant has not been reported in the literature. This variant is reported in 0.0058% of alleles in individuals of Latino descent in gnomAD. At this time, the clinical significance of this variant is uncertain due to the absence of conclusive functional and genetic evidence.

Natera, Inc.
Classification: Uncertain significance for Joubert syndrome. Last evaluated: 2021-07-13. Review status: no assertion criteria provided. Collection method: clinical testing. Allele origin: germline. Not counted in ClinVar's aggregate classification.

NM_015272.5(RPGRIP1L):c.643A>G (p.Ile215Val)

Gene: RPGRIP1L (RPGRIP1 like; minus strand). Cytogenetic location: 16q12.2.
Variant type: single nucleotide variant.
Coding change: c.643A>G on transcript NM_015272.5 (MANE Select); coding-DNA position 643, A replaced by G.
Protein change: p.Ile215Val; replaces isoleucine 215 with valine.
Molecular consequence: missense variant.
Genome position (GRCh38, 1-based): chr16:53,686,566, T>C on the plus strand (A>G on the coding strand, the complement: RPGRIP1L is on the minus strand). VCF-style: chr16-53686566-T-C. GRCh37 (hg19) VCF-style: chr16-53720478-T-C.
Other names: c.643A>G (NM_015272.4); c.643A>G, p.Ile215Val (NM_001127897.4, NM_001308334.3, NM_001330538.2); short protein forms I215V.
Identifiers: ClinVar variation 948690 (VCV000948690.7), dbSNP rs930198445, ClinGen allele CA281371391.